The following is an entry in ClinVar:

ClinVar aggregate classification (germline): Pathogenic (1 of 4 stars; one submission).

Conditions:
Familial adenomatous polyposis 1 (FAP1). Also called: FAMILIAL ADENOMATOUS POLYPOSIS 1, ATTENUATED; POLYPOSIS, ADENOMATOUS INTESTINAL. Identifiers: MedGen C2713442, MONDO:0021056, OMIM 175100. Disease mechanism: loss of function.

Submission:

Labcorp Genetics (formerly Invitae), Labcorp
Classification: Pathogenic for Familial adenomatous polyposis 1. Last evaluated: 2020-02-17. Review status: criteria provided, single submitter. Criteria: Invitae Variant Classification Sherloc (09022015). Collection method: clinical testing. Allele origin: germline.
Comment: This variant has not been reported in the literature in individuals with APC-related conditions. A different truncation (p.Tyr2645Lysfs*14) that lies downstream of this variant has been determined to be pathogenic (PMID: 9824584, 1316610, 27081525, 8381579, 22135120, Invitae). This suggests that deletion of this region of the APC protein is causative of disease. For these reasons, this variant has been classified as Pathogenic. This variant is expected to disrupt the EB1 and HDLG binding sites, which mediate interactions with the cytoskeleton (PMID: 15311282, 17293347). While functional studies have not been performed to directly test the effect on APC protein function, this suggests that disruption of the C-terminal portion of the protein is functionally important. This variant is not present in population databases (ExAC no frequency). This sequence change results in a premature translational stop signal in the APC gene (p.Lys2052Serfs*21). While this is not anticipated to result in nonsense mediated decay, it is expected to disrupt the last 792 amino acids of the APC protein.

Literature cited by the submitters: PubMed 9824584; PubMed 1316610; PubMed 27081525; PubMed 8381579; PubMed 22135120; PubMed 15311282; PubMed 17293347.

NM_000038.6(APC):c.6155del (p.Lys2052fs)

Gene: APC (APC regulator of Wnt signaling pathway; plus strand). Cytogenetic location: 5q22.2.
Variant type: Deletion.
Coding change: c.6155del on transcript NM_000038.6 (MANE Select); coding-DNA position 6155, one base deleted (A; older notation c.6155delA).
Protein change: p.Lys2052fs; shifts the reading frame from lysine 2052.
Molecular consequence: frameshift variant.
Genome position (GRCh38, 1-based): chr5:112,841,749, A deleted; the last of 5 consecutive A bases (chr5:112,841,745-112,841,749); deleting any one gives the same sequence. VCF-style (leftmost placement, unchanged base first): chr5-112841744-GA-G. GRCh37 (hg19) VCF-style: chr5-112177441-GA-G.
Other names: c.6155del, p.Lys2052fs (NM_001127510.3, NM_001354895.2); c.6101del, p.Lys2034fs (NM_001127511.3); c.6209del, p.Lys2070fs (NM_001354896.2); c.6185del, p.Lys2062fs (NM_001354897.2); c.6080del, p.Lys2027fs (NM_001354898.2); c.6071del, p.Lys2024fs (NM_001354899.2); c.6032del, p.Lys2011fs (NM_001354900.2); c.5978del, p.Lys1993fs (NM_001354901.2); and 5 more; short protein forms K1769fs, K1892fs, K1926fs, K1951fs, K1961fs, K1993fs, K2011fs, K2024fs.
Identifiers: ClinVar variation 1075140 (VCV001075140.48), dbSNP rs2149958320, ClinGen allele CA2499217497.
Genomic context (GRCh38, chr5:112,841,744, plus strand): 5'-TAGTATTGACTCTGAAGATGACCTGTTGCAGGAATGTATAAGCTCCGCAATGCCAAAAAA[GA>G]AAAAGCCTTCAAGACTCAAGGGTGATAATGAAAAACATAGTCCCAGAAATATGGGTGGCA-3'